The following is an entry in ClinVar:

ClinVar aggregate classification (germline): Uncertain significance. Review status: criteria provided, multiple submitters, no conflicts (2 of 4 stars). 2 submissions from 2 submitters: Uncertain significance (2). Last evaluated 2021-09-02.

Conditions:
T-B+ severe combined immunodeficiency due to JAK3 deficiency. Also called: SCID, T CELL-NEGATIVE, B CELL-POSITIVE, NK CELL-NEGATIVE; SCID, autosomal recessive, T-negative/B-positive type. Identifiers: Orphanet 35078, MedGen C1833275, MONDO:0010938, OMIM 600802.

Allele frequency attached by ClinVar (database versions not stated): TOPMed below 0.00001; gnomAD 0.00001; ExAC 0.00008.

Submissions (2):

Labcorp Genetics (formerly Invitae), Labcorp
Classification: Uncertain significance for T-B+ severe combined immunodeficiency due to JAK3 deficiency. Last evaluated: 2021-09-02. Review status: criteria provided, single submitter. Criteria: Invitae Variant Classification Sherloc (09022015). Collection method: clinical testing. Allele origin: germline.
Comment: This sequence change replaces arginine with cysteine at codon 121 of the JAK3 protein (p.Arg121Cys). The arginine residue is weakly conserved and there is a large physicochemical difference between arginine and cysteine. This variant is present in population databases (rs776850935, ExAC 0.03%). This variant has not been reported in the literature in individuals affected with JAK3-related conditions. Algorithms developed to predict the effect of missense changes on protein structure and function (SIFT, PolyPhen-2, Align-GVGD) all suggest that this variant is likely to be tolerated. In summary, the available evidence is currently insufficient to determine the role of this variant in disease. Therefore, it has been classified as a Variant of Uncertain Significance.

Revvity Omics, Revvity
Classification: Uncertain significance for T-B+ severe combined immunodeficiency due to JAK3 deficiency. Last evaluated: 2020-12-29. Review status: criteria provided, single submitter. Criteria: ACMG Guidelines, 2015. Collection method: clinical testing. Allele origin: germline.

NM_000215.4(JAK3):c.361C>T (p.Arg121Cys)

Gene: JAK3 (Janus kinase 3; minus strand). Cytogenetic location: 19p13.11.
Variant type: single nucleotide variant.
Coding change: c.361C>T on transcript NM_000215.4 (MANE Select); coding-DNA position 361, C replaced by T.
Protein change: p.Arg121Cys; replaces arginine 121 with cysteine.
Molecular consequence: missense variant.
Genome position (GRCh38, 1-based): chr19:17,843,439, G>A on the plus strand (C>T on the coding strand, the complement: JAK3 is on the minus strand). VCF-style: chr19-17843439-G-A. GRCh37 (hg19) VCF-style: chr19-17954248-G-A.
Other names: short protein forms R121C.
Identifiers: ClinVar variation 849417 (VCV000849417.9), dbSNP rs776850935, ClinGen allele CA9302186.